The following is an entry in ClinVar:

ClinVar aggregate classification (germline): Uncertain significance. Review status: criteria provided, multiple submitters, no conflicts (2 of 4 stars). 2 submissions from 2 submitters: Uncertain significance (2). Last evaluated 2023-11-15.

Conditions:
Cardiovascular phenotype. Identifiers: MedGen CN230736.

Allele frequency attached by ClinVar (database versions not stated): gnomAD exomes below 0.00001; ExAC 0.00001; TOPMed 0.00001; gnomAD 0.00003; ESP Exome Variant Server 0.00008.
gnomAD v4.1: 9 of 1,613,046 alleles (0.00056%); highest among the groups gnomAD compares: Non-Finnish European, 0.00076%; no homozygotes.

Submissions (2):

Mayo Clinic Laboratories, Mayo Clinic
Classification: Uncertain significance. Last evaluated: 2023-11-15. Review status: criteria provided, single submitter. Criteria: ACMG Guidelines, 2015. Collection method: clinical testing. Allele origin: germline. Observed: 1 variant allele.
Comment: BP4

Ambry Genetics
Classification: Uncertain significance for Cardiovascular phenotype. Last evaluated: 2019-10-08. Review status: criteria provided, single submitter. Criteria: Ambry Variant Classification Scheme 2023. Collection method: clinical testing. Allele origin: germline.
Comment: The p.R4748K variant (also known as c.14243G>A), located in coding exon 53 of the TTN gene, results from a G to A substitution at nucleotide position 14243. The arginine at codon 4748 is replaced by lysine, an amino acid with highly similar properties. This amino acid position is not well conserved in available vertebrate species, and lysine is the reference amino acid in other vertebrate species. In addition, this alteration is predicted to be tolerated by in silico analysis. Since supporting evidence is limited at this time, the clinical significance of this alteration remains unclear.

NM_001267550.2(TTN):c.41438G>A (p.Arg13813Lys)

Gene: TTN (titin; minus strand). Cytogenetic location: 2q31.2.
Variant type: single nucleotide variant.
Coding change: c.41438G>A on transcript NM_001267550.2 (MANE Select); coding-DNA position 41438, G replaced by A.
Protein change: p.Arg13813Lys; replaces arginine 13813 with lysine.
Molecular consequence: missense variant.
Genome position (GRCh38, 1-based): chr2:178,636,133, C>T on the plus strand (G>A on the coding strand, the complement: TTN is on the minus strand). VCF-style: chr2-178636133-C-T. GRCh37 (hg19) VCF-style: chr2-179500860-C-T.
Other names: p.Arg11245Lys; c.36515G>A, p.Arg12172Lys (NM_001256850.1); c.14243G>A, p.Arg4748Lys (NM_003319.4); c.33734G>A, p.Arg11245Lys (NM_133378.4); c.14618G>A, p.Arg4873Lys (NM_133432.3); c.14819G>A, p.Arg4940Lys (NM_133437.4); short protein forms R12172K, R4873K, R4748K, R4940K, R11245K, R13813K.
Identifiers: ClinVar variation 1772319 (VCV001772319.3), dbSNP rs374421638, ClinGen allele CA1996263.